The following is an entry in ClinVar:

ClinVar aggregate classification (germline): Pathogenic (1 of 4 stars; one submission).

Conditions:
Baller-Gerold syndrome (BGS). Also called: CRANIOSYNOSTOSIS WITH RADIAL DEFECTS. Identifiers: Orphanet 1225, MedGen C0265308, MONDO:0009039, OMIM 218600.

Submission:

Labcorp Genetics (formerly Invitae), Labcorp
Classification: Pathogenic for Baller-Gerold syndrome. Last evaluated: 2023-06-30. Review status: criteria provided, single submitter. Criteria: Invitae Variant Classification Sherloc (09022015). Collection method: clinical testing. Allele origin: germline.
Comment: This sequence change creates a premature translational stop signal (p.Ala239Leufs*54) in the RECQL4 gene. It is expected to result in an absent or disrupted protein product. Loss-of-function variants in RECQL4 are known to be pathogenic (PMID: 12734318, 12952869). This variant is not present in population databases (gnomAD no frequency). This variant has not been reported in the literature in individuals affected with RECQL4-related conditions. For these reasons, this variant has been classified as Pathogenic.

Literature cited by the submitters: PubMed 12734318; PubMed 12952869.

NM_004260.4(RECQL4):c.715del (p.Ala239fs)

Gene: RECQL4 (RecQ like helicase 4; minus strand). Cytogenetic location: 8q24.3.
Variant type: Deletion.
Coding change: c.715del on transcript NM_004260.4 (MANE Select); coding-DNA position 715, one base deleted (G; older notation c.715delG).
Protein change: p.Ala239fs; shifts the reading frame from alanine 239.
Molecular consequence: frameshift variant. On other transcripts: 5 prime UTR variant (17), non-coding transcript variant (3).
Genome position (GRCh38, 1-based): chr8:144,516,404, C deleted on the plus strand (G on the coding strand, the reverse complement: RECQL4 is on the minus strand); the first of 2 consecutive C bases (chr8:144,516,404-144,516,405); deleting either gives the same sequence. VCF-style (leftmost placement, unchanged base first): chr8-144516403-GC-G. GRCh37 (hg19) VCF-style: chr8-145741787-GC-G.
Other names: c.715del, p.Ala239fs (NM_001413039.1, NM_001413017.1, NM_001413018.1 and 4 more transcripts); c.-357del (NM_001413040.1, NM_001413042.1, NM_001413021.1 and 7 more transcripts); c.-419del (NM_001413041.1, NM_001413027.1, NM_001413030.1 and 2 more transcripts); c.-626del (NM_001413043.1); c.586del, p.Ala196fs (NM_001413025.1); c.364del, p.Ala122fs (NM_001413029.1); c.-261del (NM_001413034.1); short protein forms A122fs, A196fs, A239fs.
Identifiers: ClinVar variation 2880458 (VCV002880458.3), dbSNP rs2538092118, ClinGen allele CA2739269106.